The following is an entry in ClinVar:

ClinVar aggregate classification (germline): Uncertain significance (1 of 4 stars; one submission).

Conditions:
Hereditary cancer-predisposing syndrome. Also called: Neoplastic Syndromes, Hereditary; Tumor predisposition; Hereditary Cancer Syndrome; Hereditary neoplastic syndrome. Identifiers: Orphanet 140162, MedGen C0027672, MeSH D009386, MONDO:0015356.

Submission:

Ambry Genetics
Classification: Uncertain significance for Hereditary cancer-predisposing syndrome. Last evaluated: 2022-04-04. Review status: criteria provided, single submitter. Criteria: Ambry Variant Classification Scheme 2023. Collection method: clinical testing. Allele origin: germline.
Comment: The p.L261I variant (also known as c.781C>A), located in coding exon 4 of the BARD1 gene, results from a C to A substitution at nucleotide position 781. The leucine at codon 261 is replaced by isoleucine, an amino acid with highly similar properties. This amino acid position is conserved. In addition, this alteration is predicted to be tolerated by in silico analysis. Since supporting evidence is limited at this time, the clinical significance of this alteration remains unclear.

NM_000465.4(BARD1):c.781C>A (p.Leu261Ile)

Gene: BARD1 (BRCA1 associated RING domain 1; minus strand). Cytogenetic location: 2q35.
Variant type: single nucleotide variant.
Coding change: c.781C>A on transcript NM_000465.4 (MANE Select); coding-DNA position 781, C replaced by A.
Protein change: p.Leu261Ile; replaces leucine 261 with isoleucine.
Molecular consequence: missense variant. On other transcripts: non-coding transcript variant (2), intron variant (3).
Genome position (GRCh38, 1-based): chr2:214,781,093, G>T on the plus strand (C>A on the coding strand, the complement: BARD1 is on the minus strand). VCF-style: chr2-214781093-G-T. GRCh37 (hg19) VCF-style: chr2-215645817-G-T.
Other names: c.724C>A, p.Leu242Ile (NM_001282543.2); c.158+28319C>A (NM_001282548.2); c.215+15968C>A (NM_001282545.2); c.364+11204C>A (NM_001282549.2); short protein forms L261I, L242I.
Identifiers: ClinVar variation 1760760 (VCV001760760.2), dbSNP rs767806228, ClinGen allele CA350455809.
Genomic context (GRCh38, chr2:214,781,093, plus strand): 5'-GTAAAGAGACTTCAGTTAAACTTCCAAAACATTCAGATTCTGTCAAGGAGCCACTTGCTA[G>T]TAAGTCTATTTCACCATTTATCTGAGGACTGGAGATAACAGATGGTTGGCTACAGAAGGA-3'
Protein context (NP_000456.2, residues 251-271): SPQINGEIDL[Leu261Ile]ASGSLTESEC